The following is an entry in ClinVar:

ClinVar aggregate classification (germline): Uncertain significance (1 of 4 stars; one submission).

Submission:

Ambry Genetics
Classification: Uncertain significance. Last evaluated: 2026-07-22. Review status: criteria provided, single submitter. Criteria: Ambry Variant Classification Scheme 2023. Collection method: clinical testing. Allele origin: germline.
Comment: The p.Q172R variant (also known as c.515A>G), located in coding exon 5 of the SRP72 gene, results from an A to G substitution at nucleotide position 515. The glutamine at codon 172 is replaced by arginine, an amino acid with highly similar properties. This amino acid position is conserved. In addition, this alteration is predicted to be tolerated by in silico analysis. Based on the available evidence, the clinical significance of this variant remains unclear.

NM_006947.4(SRP72):c.515A>G (p.Gln172Arg)

Gene: SRP72 (signal recognition particle 72; plus strand). Cytogenetic location: 4q12.
Variant type: single nucleotide variant.
Coding change: c.515A>G on transcript NM_006947.4 (MANE Select); coding-DNA position 515, A replaced by G.
Protein change: p.Gln172Arg; replaces glutamine 172 with arginine.
Molecular consequence: missense variant. On other transcripts: non-coding transcript variant (1).
Genome position (GRCh38, 1-based): chr4:56,474,296, A>G. VCF-style: chr4-56474296-A-G. GRCh37 (hg19) VCF-style: chr4-57340462-A-G.
Other names: c.515A>G, p.Gln172Arg (NM_001267722.2); short protein forms Q172R.
Identifiers: ClinVar variation 5030240 (VCV005030240.1).